The following is an entry in ClinVar:

NM_053025.4(MYLK):c.2234C>T (p.Ala745Val)

Gene: MYLK (myosin light chain kinase; minus strand). Cytogenetic location: 3q21.1.
Variant type: single nucleotide variant.
Coding change: c.2234C>T on transcript NM_053025.4 (MANE Select); coding-DNA position 2234, C replaced by T.
Protein change: p.Ala745Val; replaces alanine 745 with valine.
Molecular consequence: missense variant.
Genome position (GRCh38, 1-based): chr3:123,707,910, G>A on the plus strand (C>T on the coding strand, the complement: MYLK is on the minus strand). VCF-style: chr3-123707910-G-A. GRCh37 (hg19) VCF-style: chr3-123426757-G-A.
Other names: c.1706C>T, p.Ala569Val (NM_001321309.2); c.2027C>T, p.Ala676Val (NM_053026.4, NM_053028.4); c.2234C>T, p.Ala745Val (NM_053027.4); short protein forms A676V, A569V, A745V.
Identifiers: ClinVar variation 3297621 (VCV003297621.1).

ClinVar aggregate classification (germline): Uncertain significance (1 of 4 stars; one submission).

Conditions:
Familial thoracic aortic aneurysm and aortic dissection (TAAD). Also called: Thoracic aortic aneurysms and dissections. Identifiers: Orphanet 91387, MedGen C4707243, MONDO:0019625.

gnomAD v4.1: 3 of 1,614,250 alleles (0.00019%); highest among the groups gnomAD compares: Non-Finnish European, 0.00017%; no homozygotes.

Submission:

Ambry Genetics
Classification: Uncertain significance for Familial thoracic aortic aneurysm and aortic dissection. Last evaluated: 2024-06-16. Review status: criteria provided, single submitter. Criteria: Ambry Variant Classification Scheme 2023. Collection method: clinical testing. Allele origin: germline.
Comment: The p.A745V variant (also known as c.2234C>T), located in coding exon 13 of the MYLK gene, results from a C to T substitution at nucleotide position 2234. The alanine at codon 745 is replaced by valine, an amino acid with similar properties. This amino acid position is conserved. In addition, this alteration is predicted to be tolerated by in silico analysis. Based on the available evidence, the clinical significance of this variant remains unclear.